The following is an entry in ClinVar:

ClinVar aggregate classification (germline): Uncertain significance (1 of 4 stars; one submission).

Conditions:
Multiple congenital anomalies-hypotonia-seizures syndrome 1 (MCAHS1). Also called: PIGN-CDG; GLYCOSYLPHOSPHATIDYLINOSITOL BIOSYNTHESIS DEFECT 3; Congenital disorder of glycosylation due to PIGN deficiency. Identifiers: Orphanet 280633, MedGen C3279775, MONDO:0013563, OMIM 614080.

Allele frequency attached by ClinVar (database versions not stated): gnomAD exomes below 0.00001 and 0.00001; ExAC 0.00001; gnomAD 0.00002 and 0.00003; TOPMed 0.00003; 1000 Genomes Project 30x 0.00016.
gnomAD v4.1: 14 of 1,587,584 alleles (0.00088%); highest among the groups gnomAD compares: Middle Eastern, 0.017%; no homozygotes.

Submission:

Labcorp Genetics (formerly Invitae), Labcorp
Classification: Uncertain significance for Multiple congenital anomalies-hypotonia-seizures syndrome 1. Last evaluated: 2025-06-02. Review status: criteria provided, single submitter. Criteria: Invitae Variant Classification Sherloc (09022015). Collection method: clinical testing. Allele origin: germline.
Comment: This sequence change falls in intron 22 of the PIGN gene. It does not directly change the encoded amino acid sequence of the PIGN protein. It affects a nucleotide within the consensus splice site. This variant is present in population databases (rs757219848, gnomAD 0.008%). This variant has not been reported in the literature in individuals affected with PIGN-related conditions. ClinVar contains an entry for this variant (Variation ID: 998746). Variants that disrupt the consensus splice site are a relatively common cause of aberrant splicing (PMID: 17576681, 9536098). Algorithms developed to predict the effect of sequence changes on RNA splicing suggest that this variant may disrupt the consensus splice site. In summary, the available evidence is currently insufficient to determine the role of this variant in disease. Therefore, it has been classified as a Variant of Uncertain Significance.

Literature cited by the submitters: PubMed 17576681; PubMed 9536098.

NM_176787.5(PIGN):c.2078-3C>T

Gene: PIGN (phosphatidylinositol glycan anchor biosynthesis class N; minus strand). Cytogenetic location: 18q21.33.
Variant type: single nucleotide variant.
Coding change: c.2078-3C>T on transcript NM_176787.5 (MANE Select); 3 bases into the intron before coding-DNA position 2078, C replaced by T.
Molecular consequence: intron variant.
Genome position (GRCh38, 1-based): chr18:62,095,953, G>A on the plus strand (C>T on the coding strand, the complement: PIGN is on the minus strand). VCF-style: chr18-62095953-G-A. GRCh37 (hg19) VCF-style: chr18-59763186-G-A.
Other names: c.2078-3C>T (NM_012327.6).
Identifiers: ClinVar variation 998746 (VCV000998746.5), dbSNP rs757219848, ClinGen allele CA8982086.
Genomic context (GRCh38, chr18:62,095,953, plus strand): 5'-CTGAACAATCGCTGAAAGAGAACTGGAGAACTCAGTAGTGGCACAACCAAGGAAGAGGCT[G>A]CAATGAAACAGAACAGGTCATCTGTCAGTATAAGAGACACAAAAAAAATGTTAGCGTAGG-3'